The following is an entry in ClinVar:

NM_020822.3(KCNT1):c.1069C>G (p.Gln357Glu)

Gene: KCNT1 (potassium sodium-activated channel subfamily T member 1; plus strand). Cytogenetic location: 9q34.3.
Variant type: single nucleotide variant.
Coding change: c.1069C>G on transcript NM_020822.3 (MANE Select); coding-DNA position 1069, C replaced by G.
Protein change: p.Gln357Glu; replaces glutamine 357 with glutamic acid.
Molecular consequence: missense variant.
Genome position (GRCh38, 1-based): chr9:135,765,064, C>G. VCF-style: chr9-135765064-C-G. GRCh37 (hg19) VCF-style: chr9-138656910-C-G.
Other names: c.934C>G, p.Gln312Glu (NM_001272003.2); c.1069C>G (NM_020822.2); short protein forms Q357E, Q312E.
Identifiers: ClinVar variation 2201061 (VCV002201061.5), dbSNP rs1177510700, ClinGen allele CA375499925.

ClinVar aggregate classification (germline): Uncertain significance. Review status: criteria provided, multiple submitters, no conflicts (2 of 4 stars). 2 submissions from 2 submitters: Uncertain significance (2). Last evaluated 2025-09-15.

Conditions:
Inborn genetic diseases. Identifiers: MedGen C0950123, MeSH D030342.
Autosomal dominant nocturnal frontal lobe epilepsy 5. Also called: CILIARY DYSKINESIA, PRIMARY, 28, WITHOUT SITUS INVERSUS; CILIARY DYSKINESIA, PRIMARY, 28, WITH SITUS INVERSUS; Epilepsy, nocturnal frontal lobe, 5; KCNT1-Related Epilepsy. Identifiers: Orphanet 98784, MedGen C3554306, MONDO:0014002, OMIM 615005.
Developmental and epileptic encephalopathy, 14 (DEE14). Also called: Early infantile epileptic encephalopathy 14. Identifiers: Orphanet 293181, MedGen C3554195, MONDO:0013989, OMIM 614959.

Allele frequency attached by ClinVar (database versions not stated): gnomAD 0.00002; TOPMed 0.00002.

Submissions (2):

Labcorp Genetics (formerly Invitae), Labcorp
Classification: Uncertain significance for Autosomal dominant nocturnal frontal lobe epilepsy 5; Developmental and epileptic encephalopathy, 14. Last evaluated: 2025-09-15. Review status: criteria provided, single submitter. Criteria: Invitae Variant Classification Sherloc (09022015). Collection method: clinical testing. Allele origin: germline.
Comment: This sequence change replaces glutamine, which is neutral and polar, with glutamic acid, which is acidic and polar, at codon 357 of the KCNT1 protein (p.Gln357Glu). This variant is present in population databases (no rsID available, gnomAD 0.003%). This variant has not been reported in the literature in individuals affected with KCNT1-related conditions. ClinVar contains an entry for this variant (Variation ID: 2201061). Invitae Evidence Modeling of protein sequence and biophysical properties (such as structural, functional, and spatial information, amino acid conservation, physicochemical variation, residue mobility, and thermodynamic stability) indicates that this missense variant is not expected to disrupt KCNT1 protein function with a negative predictive value of 80%. In summary, the available evidence is currently insufficient to determine the role of this variant in disease. Therefore, it has been classified as a Variant of Uncertain Significance.

Ambry Genetics
Classification: Uncertain significance for Inborn genetic diseases. Last evaluated: 2025-09-11. Review status: criteria provided, single submitter. Criteria: Ambry Variant Classification Scheme 2023. Collection method: clinical testing. Allele origin: germline.